The following is an entry in ClinVar:

NM_004369.4(COL6A3):c.862G>C (p.Asp288His)

Gene: COL6A3 (collagen type VI alpha 3 chain; minus strand). Cytogenetic location: 2q37.3.
Variant type: single nucleotide variant.
Coding change: c.862G>C on transcript NM_004369.4 (MANE Select); coding-DNA position 862, G replaced by C.
Protein change: p.Asp288His; replaces aspartic acid 288 with histidine.
Molecular consequence: missense variant. On other transcripts: intron variant (2).
Genome position (GRCh38, 1-based): chr2:237,388,032, C>G on the plus strand (G>C on the coding strand, the complement: COL6A3 is on the minus strand). VCF-style: chr2-237388032-C-G. GRCh37 (hg19) VCF-style: chr2-238296675-C-G.
Other names: c.244G>C, p.Asp82His (NM_057165.5, NM_057167.4); c.92-6533G>C (NM_057166.5, NM_057164.5); short protein forms D288H, D82H.
Identifiers: ClinVar variation 1966579 (VCV001966579.6), dbSNP rs115729513, ClinGen allele CA351223440.

ClinVar aggregate classification (germline): Uncertain significance. Review status: criteria provided, multiple submitters, no conflicts (2 of 4 stars). 2 submissions from 2 submitters: Uncertain significance (2). Last evaluated 2024-01-16.

Conditions:
Bethlem myopathy 1A. Also called: MYOPATHY, BENIGN CONGENITAL, WITH CONTRACTURES; Bethlem myopathy 1; Bethlem Muscular Dystrophy. Identifiers: Orphanet 610, MedGen CN029274, MONDO:0024530, OMIM 158810.
Inborn genetic diseases. Identifiers: MedGen C0950123, MeSH D030342.

gnomAD v4.1: 2 of 1,614,170 alleles (0.00012%); highest among the groups gnomAD compares: Non-Finnish European, 0.00017%; no homozygotes.

Submissions (2):

Ambry Genetics
Classification: Uncertain significance for Inborn genetic diseases. Last evaluated: 2024-01-16. Review status: criteria provided, single submitter. Criteria: Ambry Variant Classification Scheme 2023. Collection method: clinical testing. Allele origin: germline.

Labcorp Genetics (formerly Invitae), Labcorp
Classification: Uncertain significance for Bethlem myopathy 1A. Last evaluated: 2022-02-08. Review status: criteria provided, single submitter. Criteria: Invitae Variant Classification Sherloc (09022015). Collection method: clinical testing. Allele origin: germline.
Comment: In summary, the available evidence is currently insufficient to determine the role of this variant in disease. Therefore, it has been classified as a Variant of Uncertain Significance. Advanced modeling of protein sequence and biophysical properties (such as structural, functional, and spatial information, amino acid conservation, physicochemical variation, residue mobility, and thermodynamic stability) performed at Invitae indicates that this missense variant is not expected to disrupt COL6A3 protein function. This sequence change replaces aspartic acid, which is acidic and polar, with histidine, which is basic and polar, at codon 288 of the COL6A3 protein (p.Asp288His). This variant is not present in population databases (gnomAD no frequency). This variant has not been reported in the literature in individuals affected with COL6A3-related conditions.